The following is an entry in ClinVar:

NM_004284.6(CHD1L):c.36A>G (p.Gln12=)

Genes: CHD1L (chromodomain helicase DNA binding protein 1 like; plus strand), LOC129931354 (ATAC-STARR-seq lymphoblastoid silent region 1279; plus strand). Cytogenetic location: 1q21.1.
Variant type: single nucleotide variant.
Coding change: c.36A>G on transcript NM_004284.6 (MANE Select); coding-DNA position 36, A replaced by G.
Protein change: p.Gln12=; no amino-acid change (glutamine 12 retained).
Molecular consequence: synonymous variant. On other transcripts: 5 prime UTR variant (16), non-coding transcript variant (16), intron variant (1).
Genome position (GRCh38, 1-based): chr1:147,242,739, A>G. VCF-style: chr1-147242739-A-G. GRCh37 (hg19) VCF-style: chr1-146714389-A-G.
Other names: c.-158A>G (NM_001256336.3); c.-278A>G (NM_001256337.3); c.36A>G, p.Gln12= (NM_001256338.3, NM_001348454.2); c.-191A>G (NM_001348453.2); c.-422A>G (NM_001348455.2); c.-359A>G (NM_001348456.2); c.-688A>G (NM_001348457.2); c.-719A>G (NM_001348458.2); and 10 more.
Identifiers: ClinVar variation 3051556 (VCV003051556.3), dbSNP rs587765929, ClinGen allele CA1063129.
Genomic context (GRCh38, chr1:147,242,739, plus strand): 5'-GCGGGGCGGGGCCTCTACCGGCCCGATGGAGCGCGCGGGCGCTACTAGCCGCGGGGGCCA[A>G]GCCCCTGGCTTCTTACTGCGGCTTCATACTGAGGGCCGAGCCGAGGCGGCGCGGGTGCAG-3'
Protein context (NP_004275.4, residues 2-22): ERAGATSRGG[Gln12=]APGFLLRLHT

ClinVar aggregate classification (germline): Likely benign. Review status: criteria provided, single submitter (1 of 4 stars). 2 submissions from 2 submitters: Likely benign (1). 1 of the submissions does not count toward it. Last evaluated 2024-11-25.

Conditions:
CHD1L-related disorder. Also called: CHD1L-related condition.

Allele frequency attached by ClinVar (database versions not stated): 1000 Genomes Project 0.00020; 1000 Genomes Project 30x 0.00047; gnomAD 0.00050; TOPMed 0.00065.
gnomAD v4.1: 792 of 1,261,968 alleles (0.063%); highest among the groups gnomAD compares: Admixed American, 0.074%; no homozygotes.

Submissions (2):

Blueprint Genetics
Classification: Likely benign. Last evaluated: 2024-11-25. Review status: criteria provided, single submitter. Criteria: ACMG Guidelines, 2015. Collection method: clinical testing. Allele origin: germline.

PreventionGenetics, part of Exact Sciences
Classification: Likely benign for CHD1L-related condition. Last evaluated: 2020-02-13. Review status: no assertion criteria provided. Collection method: clinical testing. Allele origin: germline. Not counted in ClinVar's aggregate classification.
Comment: This variant is classified as likely benign based on ACMG/AMP sequence variant interpretation guidelines (Richards et al. 2015 PMID: 25741868, with internal and published modifications).